The following is an entry in ClinVar:

ClinVar aggregate classification (germline): Benign/Likely benign. Review status: criteria provided, multiple submitters, no conflicts (2 of 4 stars). 3 submissions from 3 submitters: Benign (1); Likely benign (1). 1 of the submissions does not count toward it. Last evaluated 2026-01-25.

Conditions:
MLPH-related disorder. Also called: MLPH-related condition.

Allele frequency attached by ClinVar (database versions not stated): gnomAD exomes 0.00033 and 0.00103; ExAC 0.00146; gnomAD 0.00352 and 0.00381; 1000 Genomes Project 0.00399; TOPMed 0.00400; 1000 Genomes Project 30x 0.00422; ESP Exome Variant Server 0.00607.
gnomAD v4.1: 1,045 of 1,614,078 alleles (0.065%); highest among the groups gnomAD compares: African/African-American, 1.2%; 6 homozygotes.

Submissions (3):

Labcorp Genetics (formerly Invitae), Labcorp
Classification: Benign. Last evaluated: 2026-01-25. Review status: criteria provided, single submitter. Criteria: Invitae Variant Classification Sherloc (09022015). Collection method: clinical testing. Allele origin: germline.

Blueprint Genetics
Classification: Likely benign. Last evaluated: 2024-11-26. Review status: criteria provided, single submitter. Criteria: ACMG Guidelines, 2015. Collection method: clinical testing. Allele origin: germline.

PreventionGenetics, part of Exact Sciences
Classification: Benign for MLPH-related condition. Last evaluated: 2019-11-15. Review status: no assertion criteria provided. Collection method: clinical testing. Allele origin: germline. Not counted in ClinVar's aggregate classification.
Comment: This variant is classified as benign based on ACMG/AMP sequence variant interpretation guidelines (Richards et al. 2015 PMID: 25741868, with internal and published modifications).

NM_024101.7(MLPH):c.39A>G (p.Glu13=)

Gene: MLPH (melanophilin; plus strand). Cytogenetic location: 2q37.3.
Variant type: single nucleotide variant.
Coding change: c.39A>G on transcript NM_024101.7 (MANE Select); coding-DNA position 39, A replaced by G.
Protein change: p.Glu13=; no amino-acid change (glutamic acid 13 retained).
Molecular consequence: synonymous variant. On other transcripts: non-coding transcript variant (1).
Genome position (GRCh38, 1-based): chr2:237,493,465, A>G. VCF-style: chr2-237493465-A-G. GRCh37 (hg19) VCF-style: chr2-238402108-A-G.
Other names: c.39A>G, p.Glu13= (NM_001042467.3, NM_001281473.2, NM_001281474.2).
Identifiers: ClinVar variation 723824 (VCV000723824.13), dbSNP rs77869297, ClinGen allele CA2190026.